The following is an entry in ClinVar:

ClinVar aggregate classification (germline): Uncertain significance (1 of 4 stars; one submission).

gnomAD v4.1: 1 of 1,613,546 alleles (0.000062%); highest among the groups gnomAD compares: Non-Finnish European, 0.000085%; no homozygotes.

Submission:

Labcorp Genetics (formerly Invitae), Labcorp
Classification: Uncertain significance. Last evaluated: 2022-04-01. Review status: criteria provided, single submitter. Criteria: Invitae Variant Classification Sherloc (09022015). Collection method: clinical testing. Allele origin: germline.
Comment: In summary, the available evidence is currently insufficient to determine the role of this variant in disease. Therefore, it has been classified as a Variant of Uncertain Significance. Algorithms developed to predict the effect of missense changes on protein structure and function output the following: SIFT: "Tolerated"; PolyPhen-2: "Benign"; Align-GVGD: "Class C0". The leucine amino acid residue is found in multiple mammalian species, which suggests that this missense change does not adversely affect protein function. This variant has not been reported in the literature in individuals affected with HMOX1-related conditions. This variant is present in population databases (no rsID available, gnomAD 0.007%). This sequence change replaces methionine, which is neutral and non-polar, with leucine, which is neutral and non-polar, at codon 9 of the HMOX1 protein (p.Met9Leu).

NM_002133.3(HMOX1):c.25A>T (p.Met9Leu)

Gene: HMOX1 (heme oxygenase 1; plus strand). Cytogenetic location: 22q12.3.
Variant type: single nucleotide variant.
Coding change: c.25A>T on transcript NM_002133.3 (MANE Select); coding-DNA position 25, A replaced by T.
Protein change: p.Met9Leu; replaces methionine 9 with leucine.
Molecular consequence: missense variant.
Genome position (GRCh38, 1-based): chr22:35,383,107, A>T. VCF-style: chr22-35383107-A-T. GRCh37 (hg19) VCF-style: chr22-35779100-A-T.
Other names: short protein forms M9L.
Identifiers: ClinVar variation 2415900 (VCV002415900.6), dbSNP rs768435104, ClinGen allele CA411351311.